The following is an entry in ClinVar:

ClinVar aggregate classification (germline): Uncertain significance (1 of 4 stars; one submission).

Conditions:
Epidermolysis bullosa simplex with nail dystrophy (EBS5D). Identifiers: MedGen C4225309, MONDO:0014661, OMIM 616487.
Autosomal recessive limb-girdle muscular dystrophy type 2Q (LGMDR17). Also called: MUSCULAR DYSTROPHY, LIMB-GIRDLE, AUTOSOMAL RECESSIVE 17. Identifiers: Orphanet 254361, MedGen C3150989, MONDO:0013390, OMIM 613723.
Epidermolysis bullosa simplex 5B, with muscular dystrophy (EBS5B). Also called: Epidermolysis bullosa simplex with muscular dystrophy; EPIDERMOLYSIS BULLOSA SIMPLEX AND LIMB-GIRDLE MUSCULAR DYSTROPHY. Identifiers: Orphanet 257, MedGen C2931072, MONDO:0009181, OMIM 226670.
Epidermolysis bullosa simplex 5C, with pyloric atresia (EBS5C). Also called: PLEC-Related Epidermolysis Bullosa with Pyloric Atresia; Epidermolysis bullosa simplex with pyloric atresia; PLEC1-Related Epidermolysis Bullosa with Pyloric Atresia. Identifiers: Orphanet 158684, MedGen C2677349, MONDO:0012807, OMIM 612138.
Epidermolysis bullosa simplex, Ogna type (EBS5A). Also called: Pidermolysis bullosa simplex 5A, Ogna type; EPIDERMOLYSIS BULLOSA SIMPLEX 5A, OGNA TYPE. Identifiers: Orphanet 79401, MedGen C0432317, MONDO:0007555, OMIM 131950.

Submission:

Labcorp Genetics (formerly Invitae), Labcorp
Classification: Uncertain significance for Autosomal recessive limb-girdle muscular dystrophy type 2Q; Epidermolysis bullosa simplex, Ogna type; Epidermolysis bullosa simplex with nail dystrophy; Epidermolysis bullosa simplex 5C, with pyloric atresia; Epidermolysis bullosa simplex 5B, with muscular dystrophy. Last evaluated: 2024-03-21. Review status: criteria provided, single submitter. Criteria: Invitae Variant Classification Sherloc (09022015). Collection method: clinical testing. Allele origin: germline.
Comment: This sequence change replaces leucine, which is neutral and non-polar, with valine, which is neutral and non-polar, at codon 549 of the PLEC protein (p.Leu549Val). This variant is present in population databases (no rsID available, gnomAD 0.0009%). This variant has not been reported in the literature in individuals affected with PLEC-related conditions. Advanced modeling of protein sequence and biophysical properties (such as structural, functional, and spatial information, amino acid conservation, physicochemical variation, residue mobility, and thermodynamic stability) performed at Invitae indicates that this missense variant is not expected to disrupt PLEC protein function with a negative predictive value of 80%. In summary, the available evidence is currently insufficient to determine the role of this variant in disease. Therefore, it has been classified as a Variant of Uncertain Significance.

NM_201384.3(PLEC):c.1564C>G (p.Leu522Val)

Gene: PLEC (plectin; minus strand). Cytogenetic location: 8q24.3.
Variant type: single nucleotide variant.
Coding change: c.1564C>G on transcript NM_201384.3 (MANE Select); coding-DNA position 1564, C replaced by G.
Protein change: p.Leu522Val; replaces leucine 522 with valine.
Molecular consequence: missense variant.
Genome position (GRCh38, 1-based): chr8:143,932,966, G>C on the plus strand (C>G on the coding strand, the complement: PLEC is on the minus strand). VCF-style: chr8-143932966-G-C. GRCh37 (hg19) VCF-style: chr8-145007134-G-C.
Other names: c.1645C>G, p.Leu549Val (NM_000445.5, NM_001410941.1); c.1522C>G, p.Leu508Val (NM_201378.4); c.1498C>G, p.Leu500Val (NM_201379.3); c.1975C>G, p.Leu659Val (NM_201380.4); c.1468C>G, p.Leu490Val (NM_201381.3); c.1564C>G, p.Leu522Val (NM_201382.4); c.1576C>G, p.Leu526Val (NM_201383.3); short protein forms L490V, L500V, L508V, L522V, L526V, L549V, L659V.
Identifiers: ClinVar variation 3749048 (VCV003749048.2).